The following is an entry in ClinVar:

ClinVar aggregate classification (germline): Uncertain significance (1 of 4 stars; one submission).

Conditions:
Intellectual disability, CASK-related, X-linked. Identifiers: MedGen CN043158.

Submission:

Labcorp Genetics (formerly Invitae), Labcorp
Classification: Uncertain significance for Intellectual disability, CASK-related, X-linked. Last evaluated: 2024-03-06. Review status: criteria provided, single submitter. Criteria: Invitae Variant Classification Sherloc (09022015). Collection method: clinical testing. Allele origin: germline.
Comment: This sequence change replaces asparagine, which is neutral and polar, with serine, which is neutral and polar, at codon 592 of the CASK protein (p.Asn592Ser). This variant is not present in population databases (gnomAD no frequency). This variant has not been reported in the literature in individuals affected with CASK-related conditions. Advanced modeling of protein sequence and biophysical properties (such as structural, functional, and spatial information, amino acid conservation, physicochemical variation, residue mobility, and thermodynamic stability) has been performed at Invitae for this missense variant, however the output from this modeling did not meet the statistical confidence thresholds required to predict the impact of this variant on CASK protein function. In summary, the available evidence is currently insufficient to determine the role of this variant in disease. Therefore, it has been classified as a Variant of Uncertain Significance.

NM_001367721.1(CASK):c.1775A>G (p.Asn592Ser)

Gene: CASK (calcium/calmodulin dependent serine protein kinase; minus strand). Cytogenetic location: Xp11.4.
Variant type: single nucleotide variant.
Coding change: c.1775A>G on transcript NM_001367721.1 (MANE Select); coding-DNA position 1775, A replaced by G.
Protein change: p.Asn592Ser; replaces asparagine 592 with serine.
Molecular consequence: missense variant. On other transcripts: intron variant (2).
Genome position (GRCh38, 1-based): chrX:41,557,063, T>C on the plus strand (A>G on the coding strand, the complement: CASK is on the minus strand). VCF-style: chrX-41557063-T-C. GRCh37 (hg19) VCF-style: chrX-41416316-T-C.
Other names: c.1775A>G, p.Asn592Ser (NM_003688.4); c.1738-1428A>G (NM_001126054.3); c.1757A>G, p.Asn586Ser (NM_001410745.1); c.1720-1428A>G (NM_001126055.3); short protein forms N586S, N592S.
Identifiers: ClinVar variation 3630728 (VCV003630728.2).
Genomic context (GRCh38, chrX:41,557,063, plus strand): 5'-ACTTTGCTGTGTGGAGCTAAAGTTCTTACCGAAACAGAATTGTTAGTGCTGCTATGACCA[T>C]TAGCTGGGGACTGTCTGGAAGTGGAAGGGGAATCTCTCTGAAATAAGACACAAGGTTCAT-3'
Protein context (NP_001354650.1, residues 582-602): SPSTSRQSPA[Asn592Ser]GHSSTNNSVS